The following is an entry in ClinVar:

ClinVar aggregate classification (germline): Uncertain significance (1 of 4 stars; one submission).

Submission:

Labcorp Genetics (formerly Invitae), Labcorp
Classification: Uncertain significance. Last evaluated: 2025-02-15. Review status: criteria provided, single submitter. Criteria: Invitae Variant Classification Sherloc (09022015). Collection method: clinical testing. Allele origin: germline.
Comment: This sequence change replaces valine, which is neutral and non-polar, with leucine, which is neutral and non-polar, at codon 198 of the NOG protein (p.Val198Leu). This variant is present in population databases (no rsID available, gnomAD 0.006%). This variant has not been reported in the literature in individuals affected with NOG-related conditions. ClinVar contains an entry for this variant (Variation ID: 2992310). An algorithm developed to predict the effect of missense changes on protein structure and function (PolyPhen-2) suggests that this variant is likely to be tolerated. In summary, the available evidence is currently insufficient to determine the role of this variant in disease. Therefore, it has been classified as a Variant of Uncertain Significance.

NM_005450.6(NOG):c.592G>T (p.Val198Leu)

Gene: NOG (noggin; plus strand). Cytogenetic location: 17q22.
Variant type: single nucleotide variant.
Coding change: c.592G>T on transcript NM_005450.6 (MANE Select); coding-DNA position 592, G replaced by T.
Protein change: p.Val198Leu; replaces valine 198 with leucine.
Molecular consequence: missense variant.
Genome position (GRCh38, 1-based): chr17:56,594,815, G>T. VCF-style: chr17-56594815-G-T. GRCh37 (hg19) VCF-style: chr17-54672176-G-T.
Other names: short protein forms V198L.
Identifiers: ClinVar variation 2992310 (VCV002992310.3), dbSNP rs763176857, ClinGen allele CA399966671.
Genomic context (GRCh38, chr17:56,594,815, plus strand): 5'-TGCTTCAGTAAGCGCTCGTGCTCCGTGCCCGAGGGCATGGTGTGCAAGCCGTCCAAGTCC[G>T]TGCACCTCACGGTGCTGCGGTGGCGCTGTCAGCGGCGCGGGGGCCAGCGCTGCGGCTGGA-3'
Protein context (NP_005441.1, residues 188-208): EGMVCKPSKS[Val198Leu]HLTVLRWRCQ